The following is an entry in ClinVar:

NM_005862.3(STAG1):c.3385A>C (p.Met1129Leu)

Gene: STAG1 (STAG1 cohesin complex component; minus strand). Cytogenetic location: 3q22.3.
Variant type: single nucleotide variant.
Coding change: c.3385A>C on transcript NM_005862.3 (MANE Select); coding-DNA position 3385, A replaced by C.
Protein change: p.Met1129Leu; replaces methionine 1129 with leucine.
Molecular consequence: missense variant.
Genome position (GRCh38, 1-based): chr3:136,343,893, T>G on the plus strand (A>C on the coding strand, the complement: STAG1 is on the minus strand). VCF-style: chr3-136343893-T-G. GRCh37 (hg19) VCF-style: chr3-136062735-T-G.
Other names: short protein forms M1129L.
Identifiers: ClinVar variation 2654170 (VCV002654170.24), dbSNP rs759432131, ClinGen allele CA2632397.

ClinVar aggregate classification (germline): Likely benign (1 of 4 stars; one submission).

Submission:

CeGaT Center for Human Genetics Tuebingen
Classification: Likely benign. Last evaluated: 2023-02-01. Review status: criteria provided, single submitter. Criteria: CeGaT Center For Human Genetics Tuebingen Variant Classification Criteria Version 2. Collection method: clinical testing. Allele origin: germline. Affected: yes. Observed: 1 variant allele.
Comment: STAG1: PP2, BP4, BS2